The following is an entry in ClinVar:

ClinVar aggregate classification (germline): Uncertain significance (1 of 4 stars; one submission).

gnomAD v4.1: 1 of 1,593,372 alleles (0.000063%); highest among the groups gnomAD compares: Non-Finnish European, 0.000085%; no homozygotes.

Submission:

GeneDx
Classification: Uncertain significance. Last evaluated: 2019-05-15. Review status: criteria provided, single submitter. Criteria: GeneDx Variant Classification Process June 2021. Collection method: clinical testing. Allele origin: germline. Affected: yes.
Comment: Not observed in large population cohorts (Lek et al., 2016); In silico analysis, which includes protein predictors and evolutionary conservation, supports that this variant does not alter protein structure/function; Has not been previously published as pathogenic or benign to our knowledge

NM_001330078.2(NRXN1):c.3722A>G (p.Asn1241Ser)

Gene: NRXN1 (neurexin 1; minus strand). Cytogenetic location: 2p16.3.
Variant type: single nucleotide variant.
Coding change: c.3722A>G on transcript NM_001330078.2 (MANE Select); coding-DNA position 3722, A replaced by G.
Protein change: p.Asn1241Ser; replaces asparagine 1241 with serine.
Molecular consequence: missense variant. On other transcripts: intron variant (8).
Genome position (GRCh38, 1-based): chr2:50,055,041, T>C on the plus strand (A>G on the coding strand, the complement: NRXN1 is on the minus strand). VCF-style: chr2-50055041-T-C. GRCh37 (hg19) VCF-style: chr2-50282179-T-C.
Other names: c.3842A>G, p.Asn1281Ser (NM_001135659.3); c.3698A>G, p.Asn1233Ser (NM_001330077.2, NM_001330082.2); c.3656A>G, p.Asn1219Ser (NM_001330084.2); c.3695A>G, p.Asn1232Ser (NM_001330085.2); c.3722A>G, p.Asn1241Ser (NM_001330086.2); c.617A>G, p.Asn206Ser (NM_001330091.2, NM_001330092.2); c.3719A>G, p.Asn1240Ser (NM_001330093.2); c.3710A>G, p.Asn1237Ser (NM_001330094.2); and 6 more; short protein forms N1219S, N1232S, N1233S, N1237S, N1240S, N1241S, N1281S, N206S.
Identifiers: ClinVar variation 1318567 (VCV001318567.2), dbSNP rs2152630050, ClinGen allele CA346820210.
Genomic context (GRCh38, chr2:50,055,041, plus strand): 5'-ACTCGACCAAGTCGATATGGAATTCGCTGTCTAGCAATCGCCAGGCGCTCGTTATCATTG[T>C]TTCCTTTAAAGTTTAAAGAGACATTTCATTGGTTAAAATCTGTAAGGTCAAAGGTTAAAA-3'
Protein context (NP_001317007.1, residues 1231-1251): WPVIERYPAG[Asn1241Ser]NDNERLAIAR